The following is an entry in ClinVar:

ClinVar aggregate classification (germline): Uncertain significance (1 of 4 stars; one submission).

Submission:

Labcorp Genetics (formerly Invitae), Labcorp
Classification: Uncertain significance. Last evaluated: 2023-05-13. Review status: criteria provided, single submitter. Criteria: Invitae Variant Classification Sherloc (09022015). Collection method: clinical testing. Allele origin: germline.
Comment: This variant has not been reported in the literature in individuals affected with POLE-related conditions. In summary, the available evidence is currently insufficient to determine the role of this variant in disease. Therefore, it has been classified as a Variant of Uncertain Significance. Advanced modeling of protein sequence and biophysical properties (such as structural, functional, and spatial information, amino acid conservation, physicochemical variation, residue mobility, and thermodynamic stability) has been performed at Invitae for this missense variant, however the output from this modeling did not meet the statistical confidence thresholds required to predict the impact of this variant on POLE protein function. This variant is not present in population databases (gnomAD no frequency). This sequence change replaces isoleucine, which is neutral and non-polar, with phenylalanine, which is neutral and non-polar, at codon 984 of the POLE protein (p.Ile984Phe).

NM_006231.4(POLE):c.2950A>T (p.Ile984Phe)

Gene: POLE (DNA polymerase epsilon, catalytic subunit; minus strand). Cytogenetic location: 12q24.33.
Variant type: single nucleotide variant.
Coding change: c.2950A>T on transcript NM_006231.4 (MANE Select); coding-DNA position 2950, A replaced by T.
Protein change: p.Ile984Phe; replaces isoleucine 984 with phenylalanine.
Molecular consequence: missense variant.
Genome position (GRCh38, 1-based): chr12:132,661,079, T>A on the plus strand (A>T on the coding strand, the complement: POLE is on the minus strand). VCF-style: chr12-132661079-T-A. GRCh37 (hg19) VCF-style: chr12-133237665-T-A.
Other names: short protein forms I984F.
Identifiers: ClinVar variation 2863807 (VCV002863807.3), dbSNP rs2138690884, ClinGen allele CA387392527.